The following is an entry in ClinVar:

NM_004360.5(CDH1):c.2474C>T (p.Pro825Leu)

Gene: CDH1 (cadherin 1; plus strand). Cytogenetic location: 16q22.1.
Variant type: single nucleotide variant.
Coding change: c.2474C>T on transcript NM_004360.5 (MANE Select); coding-DNA position 2474, C replaced by T.
Protein change: p.Pro825Leu; replaces proline 825 with leucine.
Molecular consequence: missense variant.
Genome position (GRCh38, 1-based): chr16:68,833,324, C>T. VCF-style: chr16-68833324-C-T. GRCh37 (hg19) VCF-style: chr16-68867227-C-T.
Other names: p.Pro825Leu; c.2291C>T, p.Pro764Leu (NM_001317184.2); c.926C>T, p.Pro309Leu (NM_001317185.2); c.509C>T, p.Pro170Leu (NM_001317186.2); c.2474C>T (LRG_301t1); short protein forms P825L, P170L, P309L, P764L.
Identifiers: ClinVar variation 140841 (VCV000140841.54), dbSNP rs587781312, ClinGen allele CA163713.

ClinVar aggregate classification (germline): Conflicting classifications of pathogenicity. Review status: criteria provided, conflicting classifications (1 of 4 stars). 18 submissions from 18 submitters: Uncertain significance (14); Likely benign (2). 2 of the submissions do not count toward it. Last evaluated 2026-01-30.

Conditions:
CDH1-related disorder. Also called: CDH1-related condition.
Familial cancer of breast. Also called: hereditary breast carcinoma; BREAST CANCER, FAMILIAL; Hereditary breast cancer. Identifiers: Orphanet 227535, MedGen C0346153, MONDO:0016419, OMIM 114480. Disease mechanism: loss of function.
Hereditary diffuse gastric adenocarcinoma (HDGC). Also called: DIFFUSE GASTRIC AND LOBULAR BREAST CANCER SYNDROME. Identifiers: Orphanet 26106, MedGen C1708349, MONDO:0007648, OMIM 137215.
Endometrial carcinoma. Also called: Endometrial carcinoma, somatic. Identifiers: MedGen C0476089, MONDO:0002447, OMIM 608089, HP:0012114.
Ovarian neoplasm. Also called: Neoplasm of ovary; Ovarian tumor; Ovarian Neoplasms. Identifiers: MedGen C0919267, MeSH D010051, MONDO:0021068, HP:0100615.
Prostate cancer. Also called: Malignant tumor of prostate. Identifiers: Orphanet 1331, MedGen C0376358, MONDO:0008315, HP:0012125.
Blepharocheilodontic syndrome 1 (BCDS1). Identifiers: Orphanet 1997, MedGen C4551988, MONDO:0054740, OMIM 119580.
Hereditary cancer-predisposing syndrome. Also called: Neoplastic Syndromes, Hereditary; Hereditary neoplastic syndrome; Hereditary Cancer Syndrome; Tumor predisposition. Identifiers: Orphanet 140162, MedGen C0027672, MeSH D009386, MONDO:0015356.
Hereditary breast ovarian cancer syndrome. Also called: BRCA1- and BRCA2-Associated Hereditary Breast and Ovarian Cancer; Hereditary breast and ovarian cancer syndrome; Hereditary breast and ovarian cancer syndrome (HBOC); Hereditary breast and ovarian cancer; Breast and ovarian cancer; Hereditary breast and/or ovarian cancer syndrome. Identifiers: Orphanet 145, MedGen C0677776, MeSH D061325, MONDO:0003582. Disease mechanism: loss of function.

Allele frequency attached by ClinVar (database versions not stated): ExAC 0.00001; gnomAD exomes 0.00004 and 0.00002; TOPMed 0.00003; gnomAD 0.00004.
gnomAD v4.1: 69 of 1,614,024 alleles (0.0043%); highest among the groups gnomAD compares: Middle Eastern, 0.033%; no homozygotes.

Submissions 1 to 11 of 18:

PreventionGenetics, part of Exact Sciences
Classification: Uncertain significance for CDH1-related condition. Last evaluated: 2026-01-30. Review status: criteria provided, single submitter. Criteria: ACMG Guidelines, 2015. Collection method: clinical testing. Allele origin: germline.
Comment: The CDH1 c.2474C>T variant is predicted to result in the amino acid substitution p.Pro825Leu. This variant was reported in an individual with breast cancer who also had a family history of stomach cancer (Valente et al. 2014. PubMed ID: 25067988), in an individual with cervical cancer (Sung et al. 2017. PubMed ID: 28961279) and in an individual with colon cancer (Djursby et al. 2020. PubMed ID: 33193653). This variant is reported in 0.0050% of alleles in individuals of East Asian descent in gnomAD. This variant has conflicting interpretations in ClinVar ranging from uncertain to likely benign (Variation ID: 140841). At this time, the clinical significance of this variant is uncertain due to the absence of conclusive functional and genetic evidence.

Labcorp Genetics (formerly Invitae), Labcorp
Classification: Likely benign for Hereditary diffuse gastric adenocarcinoma. Last evaluated: 2026-01-28. Review status: criteria provided, single submitter. Criteria: Invitae Variant Classification Sherloc (09022015). Collection method: clinical testing. Allele origin: germline.

German Consortium for Hereditary Breast and Ovarian Cancer, University Hospital Cologne
Classification: Uncertain significance for Hereditary breast ovarian cancer syndrome. Last evaluated: 2026-01-13. Review status: criteria provided, single submitter. Criteria: ClinGen CDH1 V3.1.0. Collection method: curation. Allele origin: germline.
Comment: This classification follows the ClinGen ACMG CDH1 v3.1.0 classification scheme; We chose this criterion: BS2 (supporting benign): Garcia-Pelaez (2023, PMID: 36436516): indentification of 3 probands with BC-Cancer only and familial history of cancer, who do not fulfill the 2020 HDGC Criteria +LBC-centred criteria recommended by the VCEP (Blair, 2020, PMID: 32758476)

Center for Genomic Medicine, Rigshospitalet, Copenhagen University Hospital
Classification: Uncertain significance. Last evaluated: 2025-12-29. Review status: criteria provided, single submitter. Criteria: ACMG Guidelines, 2015. Collection method: clinical testing. Allele origin: germline.

Color Diagnostics, LLC DBA Color Health
Classification: Uncertain significance for Hereditary cancer-predisposing syndrome. Last evaluated: 2024-11-05. Review status: criteria provided, single submitter. Criteria: ACMG Guidelines, 2015. Collection method: clinical testing. Allele origin: germline.
Comment: This missense variant replaces proline with leucine at codon 825 of the CDH1 protein. To our knowledge, functional studies have not been reported for this variant. This variant has been reported in an individual affected with invasive lobular breast cancer with a family history of stomach cancer (PMID: 25067988), in an individual affected with cervical cancer (PMID: 28961279), in individuals affected with colorectal cancer (PMID: 33193653, 32658311), and in individuals with a personal or family history of breast cancer (PMID: 36436516). This variant has been identified in 69/1614024 chromosomes in the general population by the Genome Aggregation Database (gnomAD). The available evidence is insufficient to determine the role of this variant in disease conclusively. Therefore, this variant is classified as a Variant of Uncertain Significance.

GeneDx
Classification: Uncertain significance. Last evaluated: 2024-03-01. Review status: criteria provided, single submitter. Criteria: GeneDx Variant Classification Process June 2021. Collection method: clinical testing. Allele origin: germline. Affected: yes.
Comment: Observed in individuals with personal or family history of breast or colorectal cancer in published literature (PMID: 28961279, 25067988, 33193653, 36436516); Not observed at significant frequency in large population cohorts (gnomAD); In silico analysis supports that this missense variant has a deleterious effect on protein structure/function; This variant is associated with the following publications: (PMID: 28961279, 22980975, 25067988, 35008396, 33193653, 36436516, 15235021, 22850631)

Baylor Genetics
Classification: Uncertain significance for Familial cancer of breast. Last evaluated: 2024-01-22. Review status: criteria provided, single submitter. Criteria: ACMG Guidelines, 2015. Collection method: clinical testing. Allele origin: unknown.

Mayo Clinic Laboratories, Mayo Clinic
Classification: Uncertain significance. Last evaluated: 2023-11-22. Review status: criteria provided, single submitter. Criteria: ACMG Guidelines, 2015. Collection method: clinical testing. Allele origin: germline. Observed: 1 variant allele.

Women's Health and Genetics/Laboratory Corporation of America, LabCorp
Classification: Uncertain significance. Last evaluated: 2023-10-16. Review status: criteria provided, single submitter. Criteria: LabCorp Variant Classification Summary - May 2015. Collection method: clinical testing. Allele origin: germline.
Comment: Variant summary: CDH1 c.2474C>T (p.Pro825Leu) results in a non-conservative amino acid change located in the Cadherin, cytoplasmic domain (IPR000233) of the encoded protein sequence. Five of five in-silico tools predict a damaging effect of the variant on protein function. The variant allele was found at a frequency of 1.6e-05 in 251486 control chromosomes. The available data on variant occurrences in the general population are insufficient to allow any conclusion about variant significance. c.2474C>T has been reported in the literature in individuals affected with HBOC or colorectal cancer (example, Valente_2014, Sung_2017, Akcay_2021, Djursby_2020). These reports do not provide unequivocal conclusions about association of the variant with Hereditary Diffuse Gastric Cancer. To our knowledge, no experimental evidence demonstrating an impact on protein function has been reported. The following publications have been ascertained in the context of this evaluation (PMID: 32658311, 33193653, 28961279, 25067988). Multiple clinical diagnostic laboratories have submitted clinical-significance assessments for this variant to ClinVar after 2014 without evidence for independent evaluation (likely benign n=1, VUS n=11). Based on the evidence outlined above, the variant was classified as uncertain significance.

Myriad Genetics, Inc.
Classification: Uncertain significance for Hereditary diffuse gastric adenocarcinoma. Last evaluated: 2023-03-06. Review status: criteria provided, single submitter. Criteria: Myriad Autosomal Dominant, Autosomal Recessive and X-Linked Classification Criteria (2023). Collection method: clinical testing. Allele origin: unknown.
Comment: This variant is classified as a variant of uncertain significance as there is insufficient evidence to determine its impact on protein function and/or cancer risk.

Quest Diagnostics Nichols Institute San Juan Capistrano
Classification: Uncertain significance. Last evaluated: 2022-11-11. Review status: criteria provided, single submitter. Criteria: Quest Diagnostics criteria. Collection method: clinical testing. Allele origin: unknown.
Comment: The frequency of this variant in the general population, 0.000023 (3/129186 chromosomes), is uninformative in assessment of its pathogenicity. In the published literature, the variant has been reported in individuals with breast cancer (PMID: 25067988 (2014)), colorectal cancer (PMID: 33193653 (2020)), and cervical adenosarcoma (PMID: 28961279 (2017)). In a large-scale breast cancer association study, the variant was observed in individuals with breast cancer as well as in unaffected individuals (PMID: 33471991 (2021), see also LOVD). Analysis of this variant using bioinformatics tools for the prediction of the effect of amino acid changes on protein structure and function yielded predictions that this variant is damaging. Based on the available information, we are unable to determine the clinical significance of this variant.